The following is an entry in ClinVar:

ClinVar aggregate classification (germline): Uncertain significance (1 of 4 stars; one submission).

Conditions:
Grange syndrome (GRNG). Also called: GRANGE OCCLUSIVE ARTERIAL SYNDROME. Identifiers: Orphanet 79094, MedGen C1865267, MONDO:0011243, OMIM 602531.

Submission:

Juno Genomics, Hangzhou Juno Genomics, Inc
Classification: Uncertain significance for Grange syndrome. Review status: criteria provided, single submitter. Criteria: ACMG Guidelines, 2015. Collection method: clinical testing. Allele origin: germline.
Comment: Null variant in a gene where loss of function (LOF) is a known mechanism of disease.;Absent from controls (or at extremely low frequency if recessive) in Genome Aggregation Database.

NM_139119.3(YY1AP1):c.2171del (p.Asn724fs)

Gene: YY1AP1 (YY1 associated protein 1; minus strand). Cytogenetic location: 1q22.
Variant type: Deletion.
Coding change: c.2171del on transcript NM_139119.3 (MANE Select); coding-DNA position 2171, one base deleted (A; older notation c.2171delA).
Protein change: p.Asn724fs; shifts the reading frame from asparagine 724.
Molecular consequence: frameshift variant. On other transcripts: 3 prime UTR variant (1).
Genome position (GRCh38, 1-based): chr1:155,659,739, T deleted on the plus strand (A on the coding strand, the reverse complement: YY1AP1 is on the minus strand); the first of 3 consecutive T bases (chr1:155,659,739-155,659,741); deleting any one gives the same sequence. VCF-style (leftmost placement, unchanged base first): chr1-155659738-GT-G. GRCh37 (hg19) VCF-style: chr1-155629529-GT-G.
Other names: c.2138del, p.Asn713fs (NM_001198899.2, NM_001198900.2, NM_018253.4); c.2171del, p.Asn724fs (NM_001198901.2, NM_001198902.2); c.2585del, p.Asn862fs (NM_001198903.1); c.2525del, p.Asn842fs (NM_001198904.1); c.2111del, p.Asn704fs (NM_001198905.2); c.*1114del (NM_001198906.2); c.2309del, p.Asn770fs (NM_139118.3); c.1973del, p.Asn658fs (NM_139121.3); short protein forms N842fs, N704fs, N724fs, N658fs, N713fs, N770fs, N862fs.
Identifiers: ClinVar variation 5004954 (VCV005004954.2).